The following is an entry in ClinVar:

ClinVar aggregate classification (germline): Uncertain significance (1 of 4 stars; one submission).

Conditions:
Familial sleep-related hypermotor epilepsy. Also called: Autosomal Dominant Sleep-Related Hypermotor (Hyperkinetic) Epilepsy. Identifiers: Orphanet 98784, MedGen C3696898, MONDO:0000030.

Submission:

Labcorp Genetics (formerly Invitae), Labcorp
Classification: Uncertain significance. Last evaluated: 2023-06-16. Review status: criteria provided, single submitter. Criteria: Invitae Variant Classification Sherloc (09022015). Collection method: clinical testing. Allele origin: germline.
Comment: This sequence change replaces leucine, which is neutral and non-polar, with proline, which is neutral and non-polar, at codon 90 of the CHRNA2 protein (p.Leu90Pro). This variant is not present in population databases (gnomAD no frequency). This variant has not been reported in the literature in individuals affected with CHRNA2-related conditions. Advanced modeling of protein sequence and biophysical properties (such as structural, functional, and spatial information, amino acid conservation, physicochemical variation, residue mobility, and thermodynamic stability) performed at Invitae indicates that this missense variant is expected to disrupt CHRNA2 protein function. In summary, the available evidence is currently insufficient to determine the role of this variant in disease. Therefore, it has been classified as a Variant of Uncertain Significance.

NM_000742.4(CHRNA2):c.269T>C (p.Leu90Pro)

Gene: CHRNA2 (cholinergic receptor nicotinic alpha 2 subunit; minus strand). Cytogenetic location: 8p21.2.
Variant type: single nucleotide variant.
Coding change: c.269T>C on transcript NM_000742.4 (MANE Select); coding-DNA position 269, T replaced by C.
Protein change: p.Leu90Pro; replaces leucine 90 with proline.
Molecular consequence: missense variant. On other transcripts: 5 prime UTR variant (2), intron variant (3).
Genome position (GRCh38, 1-based): chr8:27,469,786, A>G on the plus strand (T>C on the coding strand, the complement: CHRNA2 is on the minus strand). VCF-style: chr8-27469786-A-G. GRCh37 (hg19) VCF-style: chr8-27327303-A-G.
Other names: c.-204T>C (NM_001347706.2); c.-193T>C (NM_001347708.2); c.-179+20T>C (NM_001347705.2); c.249+20T>C (NM_001282455.2); c.-165+20T>C (NM_001347707.2); short protein forms L90P.
Identifiers: ClinVar variation 2717282 (VCV002717282.3), dbSNP rs755757952, ClinGen allele CA370812866.